The following is an entry in ClinVar:

ClinVar aggregate classification (germline): Uncertain significance (1 of 4 stars; one submission).

gnomAD v4.1: 2 of 1,613,944 alleles (0.00012%); highest among the groups gnomAD compares: South Asian, 0.0011%; no homozygotes.

Submission:

Labcorp Genetics (formerly Invitae), Labcorp
Classification: Uncertain significance. Last evaluated: 2025-12-10. Review status: criteria provided, single submitter. Criteria: Invitae Variant Classification Sherloc (09022015). Collection method: clinical testing. Allele origin: germline.
Comment: This sequence change falls in intron 3 of the MTMR14 gene. It does not directly change the encoded amino acid sequence of the MTMR14 protein. This variant is not present in population databases (gnomAD no frequency). This variant has not been reported in the literature in individuals affected with MTMR14-related conditions. Algorithms developed to predict the effect of sequence changes on RNA splicing suggest that this variant may disrupt the consensus splice site. In summary, the available evidence is currently insufficient to determine the role of this variant in disease. Therefore, it has been classified as a Variant of Uncertain Significance.

NM_001077525.3(MTMR14):c.418-18A>G

Gene: MTMR14 (myotubularin related protein 14; plus strand). Cytogenetic location: 3p25.3.
Variant type: single nucleotide variant.
Coding change: c.418-18A>G on transcript NM_001077525.3 (MANE Select); 18 bases into the intron before coding-DNA position 418, A replaced by G.
Molecular consequence: intron variant.
Genome position (GRCh38, 1-based): chr3:9,668,701, A>G. VCF-style: chr3-9668701-A-G. GRCh37 (hg19) VCF-style: chr3-9710385-A-G.
Other names: c.487-18A>G (NM_001400518.1, NM_001400521.1, NM_001400526.1); c.-149-731A>G (NM_001400542.1, NM_001400534.1, NM_001400541.1 and 4 more transcripts); c.418-18A>G (NM_001077526.3, NM_022485.5, NM_001400520.1 and 4 more transcripts); c.-298-18A>G (NM_001400547.1); c.-222-731A>G (NM_001400548.1); c.-88-2347A>G (NM_001400533.1, NM_001400539.1, NM_001400545.1 and 1 more transcripts); c.-161-2347A>G (NM_001400544.1, NM_001400550.1); c.-225-18A>G (NM_001400540.1); and 3 more.
Identifiers: ClinVar variation 4723293 (VCV004723293.1).